The following is an entry in ClinVar:

ClinVar aggregate classification (germline): Pathogenic (1 of 4 stars; one submission).

Conditions:
Ataxia-telangiectasia syndrome (AT). Also called: Cerebello-oculocutaneous telangiectasia; Immunodeficiency with ataxia telangiectasia; Ataxia-telangiectasia, complementation group E; LOUIS-BAR SYNDROME; Ataxia telangiectasia (A-T); AT, COMPLEMENTATION GROUP C. Identifiers: Orphanet 100, MedGen C0004135, MONDO:0008840, OMIM 208900.

Submission:

Labcorp Genetics (formerly Invitae), Labcorp
Classification: Pathogenic for Ataxia-telangiectasia syndrome. Last evaluated: 2023-11-21. Review status: criteria provided, single submitter. Criteria: Invitae Variant Classification Sherloc (09022015). Collection method: clinical testing. Allele origin: germline.
Comment: This sequence change creates a premature translational stop signal (p.Val555Trpfs*3) in the ATM gene. It is expected to result in an absent or disrupted protein product. Loss-of-function variants in ATM are known to be pathogenic (PMID: 23807571, 25614872). This variant is not present in population databases (gnomAD no frequency). This variant has not been reported in the literature in individuals affected with ATM-related conditions. For these reasons, this variant has been classified as Pathogenic.

Literature cited by the submitters: PubMed 23807571; PubMed 25614872.

NM_000051.4(ATM):c.1663_1669del (p.Val555fs)

Gene: ATM (ATM serine/threonine kinase; plus strand). Cytogenetic location: 11q22.3.
Variant type: Deletion.
Coding change: c.1663_1669del on transcript NM_000051.4 (MANE Select); coding-DNA positions 1663 to 1669, 7 bases deleted (GTAAAAA; older notation c.1663_1669delGTAAAAA).
Protein change: p.Val555fs; shifts the reading frame from valine 555.
Molecular consequence: frameshift variant.
Genome position (GRCh38, 1-based): chr11:108,251,892-108,251,898, GTAAAAA deleted. VCF-style (leftmost placement, unchanged base first): chr11-108251891-GGTAAAAA-G. GRCh37 (hg19) VCF-style: chr11-108122618-GGTAAAAA-G.
Other names: c.1663_1669del, p.Val555fs (NM_001351834.2); short protein forms V555fs.
Identifiers: ClinVar variation 2697852 (VCV002697852.3), dbSNP rs2497268894, ClinGen allele CA2697549004.
Genomic context (GRCh38, chr11:108,251,891, plus strand): 5'-TTATAGTCCTGCAGTATGCTGTTTGACTTTGGCACTGACCACCAGTATAGTTCCAGGAAC[GGTAAAAA>G]TGGGAATAGAGCAAAATATGTGTGAAGTAAATAGAAGCTTTTCTTTAAAGGAATCAATAA-3'